The following is an entry in ClinVar:

ClinVar aggregate classification (germline): Likely benign (1 of 4 stars; one submission).

Allele frequency attached by ClinVar (database versions not stated): TOPMed 0.00001; ExAC 0.00002.

Submission:

CeGaT Center for Human Genetics Tuebingen
Classification: Likely benign. Last evaluated: 2023-03-01. Review status: criteria provided, single submitter. Criteria: CeGaT Center For Human Genetics Tuebingen Variant Classification Criteria Version 2. Collection method: clinical testing. Allele origin: germline. Affected: yes. Observed: 1 variant allele.
Comment: PPM1J: BP4

NM_005167.7(PPM1J):c.1206C>G (p.Ser402=)

Gene: PPM1J (protein phosphatase, Mg2+/Mn2+ dependent 1J; minus strand). Cytogenetic location: 1p13.2.
Variant type: single nucleotide variant.
Coding change: c.1206C>G on transcript NM_005167.7 (MANE Select); coding-DNA position 1206, C replaced by G.
Protein change: p.Ser402=; no amino-acid change (serine 402 retained).
Molecular consequence: synonymous variant.
Genome position (GRCh38, 1-based): chr1:112,710,756, G>C on the plus strand (C>G on the coding strand, the complement: PPM1J is on the minus strand). VCF-style: chr1-112710756-G-C. GRCh37 (hg19) VCF-style: chr1-113253378-G-C.
Identifiers: ClinVar variation 2638997 (VCV002638997.24), dbSNP rs754940696, ClinGen allele CA1010643.
Genomic context (GRCh38, chr1:112,710,756, plus strand): 5'-CTGGCCTGAGACTCCCAGAGAAGGCAAGGTGTGGTTTAAGGGGCTCACCTCAGGGAAGCA[G>C]GAGAGAAAGGGCTTGATGGGCAGGGTGGAACTGCAGACCTTAAGGCTGTGGTCTCCCAAG-3'
Protein context (NP_005158.5, residues 392-412): SSTLPIKPFL[Ser402=]CFPEVRVYDL